The following is an entry in ClinVar:

ClinVar aggregate classification (germline): Uncertain significance (1 of 4 stars; one submission).

Submission:

GeneDx
Classification: Uncertain significance. Last evaluated: 2025-05-13. Review status: criteria provided, single submitter. Criteria: GeneDx Variant Classification Process June 2021. Collection method: clinical testing. Allele origin: germline. Affected: yes.
Comment: Not observed at significant frequency in large population cohorts (gnomAD); In silico analysis suggests that this missense variant does not alter protein structure/function; Has not been previously published as pathogenic or benign to our knowledge

NM_005157.6(ABL1):c.223A>G (p.Ser75Gly)

Gene: ABL1 (ABL proto-oncogene 1, non-receptor tyrosine kinase; plus strand). Cytogenetic location: 9q34.12.
Variant type: single nucleotide variant.
Coding change: c.223A>G on transcript NM_005157.6 (MANE Select); coding-DNA position 223, A replaced by G.
Protein change: p.Ser75Gly; replaces serine 75 with glycine.
Molecular consequence: missense variant.
Genome position (GRCh38, 1-based): chr9:130,854,207, A>G. VCF-style: chr9-130854207-A-G. GRCh37 (hg19) VCF-style: chr9-133729594-A-G.
Other names: c.280A>G, p.Ser94Gly (NM_007313.3); short protein forms S75G, S94G.
Identifiers: ClinVar variation 4529785 (VCV004529785.1).